The following is an entry in ClinVar:

ClinVar aggregate classification (germline): Uncertain significance (1 of 4 stars; one submission).

Conditions:
Angelman syndrome (AS). Also called: HAPPY PUPPET SYNDROME. Identifiers: Orphanet 72, MedGen C0162635, MONDO:0007113, OMIM 105830. Disease mechanism: loss of function. Inheritance: imprinting disorder, AS is caused by disruption of maternally imprinted UBE3A located within the 15q11.2-q13 Angelman syndrome/Prader-Willi syndrome (AS/PWS) region..

gnomAD v4.1: 3 of 1,613,966 alleles (0.00019%); highest among the groups gnomAD compares: African/African-American, 0.004%; no homozygotes.

Submission:

Labcorp Genetics (formerly Invitae), Labcorp
Classification: Uncertain significance for Angelman syndrome. Last evaluated: 2025-03-05. Review status: criteria provided, single submitter. Criteria: Invitae Variant Classification Sherloc (09022015). Collection method: clinical testing. Allele origin: germline.
Comment: This sequence change replaces asparagine, which is neutral and polar, with histidine, which is basic and polar, at codon 259 of the UBE3A protein (p.Asn259His). This variant is present in population databases (rs376828905, gnomAD 0.01%). This variant has not been reported in the literature in individuals affected with UBE3A-related conditions. Invitae Evidence Modeling of protein sequence and biophysical properties (such as structural, functional, and spatial information, amino acid conservation, physicochemical variation, residue mobility, and thermodynamic stability) indicates that this missense variant is not expected to disrupt UBE3A protein function with a negative predictive value of 80%. In summary, the available evidence is currently insufficient to determine the role of this variant in disease. Therefore, it has been classified as a Variant of Uncertain Significance.

NM_130839.5(UBE3A):c.835A>C (p.Asn279His)

Genes: SNHG14 (small nucleolar RNA host gene 14; plus strand), UBE3A (ubiquitin protein ligase E3A; minus strand). Cytogenetic location: 15q11.2.
Variant type: single nucleotide variant.
Coding change: c.835A>C on transcript NM_130839.5 (MANE Select); coding-DNA position 835, A replaced by C.
Protein change: p.Asn279His; replaces asparagine 279 with histidine.
Molecular consequence: missense variant. On other transcripts: non-coding transcript variant (1), intron variant (2).
Genome position (GRCh38, 1-based): chr15:25,371,339, T>G on the plus strand (A>C on the coding strand, the complement: UBE3A is on the minus strand). VCF-style: chr15-25371339-T-G. GRCh37 (hg19) VCF-style: chr15-25616486-T-G.
Other names: c.844A>C, p.Asn282His (NM_000462.5); c.835A>C, p.Asn279His (NM_001354505.1, NM_001354538.2, NM_001354545.2); c.775A>C, p.Asn259His (NM_001354506.2, NM_001354507.2, NM_001354508.2 and 17 more transcripts); c.658A>C, p.Asn220His (NM_001354546.2); c.301+4126A>C (NM_001354551.2); c.361+4126A>C (NM_001354550.2); short protein forms N220H, N259H, N279H, N282H.
Identifiers: ClinVar variation 4744047 (VCV004744047.1).